The following is an entry in ClinVar:

NM_004947.5(DOCK3):c.324A>C (p.Lys108Asn)

Gene: DOCK3 (dedicator of cytokinesis 3; plus strand). Cytogenetic location: 3p21.2.
Variant type: single nucleotide variant.
Coding change: c.324A>C on transcript NM_004947.5 (MANE Select); coding-DNA position 324, A replaced by C.
Protein change: p.Lys108Asn; replaces lysine 108 with asparagine.
Molecular consequence: missense variant.
Genome position (GRCh38, 1-based): chr3:51,064,456, A>C. VCF-style: chr3-51064456-A-C. GRCh37 (hg19) VCF-style: chr3-51101887-A-C.
Other names: short protein forms K108N.
Identifiers: ClinVar variation 3052337 (VCV003052337.3), dbSNP rs189994150, ClinGen allele CA2420666.

ClinVar aggregate classification (germline): Likely benign. Review status: criteria provided, single submitter (1 of 4 stars). 2 submissions from 2 submitters: Likely benign (1). 1 of the submissions does not count toward it. Last evaluated 2024-11-26.

Conditions:
Inborn genetic diseases. Identifiers: MedGen C0950123, MeSH D030342.
DOCK3-related disorder. Also called: DOCK3-related condition.

Allele frequency attached by ClinVar (database versions not stated): gnomAD exomes 0.00007; ExAC 0.00019; ESP Exome Variant Server 0.00058; 1000 Genomes Project 30x 0.00062; 1000 Genomes Project 0.00080; gnomAD 0.00081; TOPMed 0.00108.
gnomAD v4.1: 243 of 1,613,930 alleles (0.015%); highest among the groups gnomAD compares: African/African-American, 0.27%; no homozygotes.

Submissions (2):

Ambry Genetics
Classification: Likely benign for Inborn genetic diseases. Last evaluated: 2024-11-26. Review status: criteria provided, single submitter. Criteria: Ambry Variant Classification Scheme 2023. Collection method: clinical testing. Allele origin: germline.

PreventionGenetics, part of Exact Sciences
Classification: Likely benign for DOCK3-related condition. Last evaluated: 2022-06-17. Review status: no assertion criteria provided. Collection method: clinical testing. Allele origin: germline. Not counted in ClinVar's aggregate classification.
Comment: This variant is classified as likely benign based on ACMG/AMP sequence variant interpretation guidelines (Richards et al. 2015 PMID: 25741868, with internal and published modifications).